The following is an entry in ClinVar:

ClinVar aggregate classification (germline): Pathogenic (1 of 4 stars; one submission).

Conditions:
Hypertrophic cardiomyopathy. Also called: HYPERTROPHIC MYOCARDIOPATHY. Identifiers: Orphanet 217569, MedGen C0007194, MeSH D002312, MONDO:0005045, HP:0001639.

Submission:

Labcorp Genetics (formerly Invitae), Labcorp
Classification: Pathogenic for Hypertrophic cardiomyopathy. Last evaluated: 2023-12-14. Review status: criteria provided, single submitter. Criteria: Invitae Variant Classification Sherloc (09022015). Collection method: clinical testing. Allele origin: germline.
Comment: This sequence change creates a premature translational stop signal (p.Phe942*) in the MYBPC3 gene. It is expected to result in an absent or disrupted protein product. Loss-of-function variants in MYBPC3 are known to be pathogenic (PMID: 19574547). Information on the frequency of this variant in the gnomAD database is not available, as this variant may be reported differently in the database. This variant has not been reported in the literature in individuals affected with MYBPC3-related conditions. For these reasons, this variant has been classified as Pathogenic.

Literature cited by the submitters: PubMed 19574547.

NM_000256.3(MYBPC3):c.2825_2826delinsAA (p.Phe942Ter)

Gene: MYBPC3 (myosin binding protein C3; minus strand). Cytogenetic location: 11p11.2.
Variant type: Indel.
Coding change: c.2825_2826delinsAA on transcript NM_000256.3 (MANE Select); coding-DNA positions 2825 to 2826, TC replaced by AA.
Protein change: p.Phe942Ter; replaces phenylalanine 942 with a stop codon.
Molecular consequence: nonsense.
Genome position (GRCh38, 1-based): chr11:47,335,121-47,335,122, GA replaced by TT on the plus strand (TC replaced by AA on the coding strand, the reverse complement: MYBPC3 is on the minus strand). VCF-style: chr11-47335121-GA-TT. GRCh37 (hg19) VCF-style: chr11-47356672-GA-TT.
Other names: short protein forms F942*.
Identifiers: ClinVar variation 2699893 (VCV002699893.3), dbSNP rs2495744443, ClinGen allele CA2697548550.